The following is an entry in ClinVar:

NM_001029883.3(PCARE):c.232A>G (p.Met78Val)

Gene: PCARE (photoreceptor cilium actin regulator; minus strand). Cytogenetic location: 2p23.2.
Variant type: single nucleotide variant.
Coding change: c.232A>G on transcript NM_001029883.3 (MANE Select); coding-DNA position 232, A replaced by G.
Protein change: p.Met78Val; replaces methionine 78 with valine.
Molecular consequence: missense variant.
Genome position (GRCh38, 1-based): chr2:29,074,030, T>C on the plus strand (A>G on the coding strand, the complement: PCARE is on the minus strand). VCF-style: chr2-29074030-T-C. GRCh37 (hg19) VCF-style: chr2-29296896-T-C.
Other names: short protein forms M78V.
Identifiers: ClinVar variation 1976809 (VCV001976809.5), dbSNP rs372118857, ClinGen allele CA1592691.
Genomic context (GRCh38, chr2:29,074,030, plus strand): 5'-TTTTGGTTCCTGGGATCAGTCCTTCCATATCTTTCCTTTTGCCTGAAGCAGGATCTCCCA[T>C]GAGCTGACAAAGACCTTTAGCTGTGGTTTGGTTCCTCCTGGGACTTGGCTGCTCCTCTGC-3'
Protein context (NP_001025054.1, residues 68-88): QTTAKGLCQL[Met78Val]GDPASGKRKD

ClinVar aggregate classification (germline): Uncertain significance (1 of 4 stars; one submission).

Allele frequency attached by ClinVar (database versions not stated): ExAC 0.00001; gnomAD 0.00001; TOPMed 0.00001; ESP Exome Variant Server 0.00008.

Submission:

Labcorp Genetics (formerly Invitae), Labcorp
Classification: Uncertain significance. Last evaluated: 2023-10-03. Review status: criteria provided, single submitter. Criteria: Invitae Variant Classification Sherloc (09022015). Collection method: clinical testing. Allele origin: germline.
Comment: This sequence change replaces methionine, which is neutral and non-polar, with valine, which is neutral and non-polar, at codon 78 of the PCARE protein (p.Met78Val). This variant is present in population databases (rs372118857, gnomAD 0.008%). This variant has not been reported in the literature in individuals affected with PCARE-related conditions. ClinVar contains an entry for this variant (Variation ID: 1976809). An algorithm developed to predict the effect of missense changes on protein structure and function (PolyPhen-2) suggests that this variant is likely to be tolerated. In summary, the available evidence is currently insufficient to determine the role of this variant in disease. Therefore, it has been classified as a Variant of Uncertain Significance.